The following is an entry in ClinVar:

ClinVar aggregate classification (germline): Uncertain significance. Review status: criteria provided, multiple submitters, no conflicts (2 of 4 stars). 2 submissions from 2 submitters: Uncertain significance (2). Last evaluated 2025-08-01.

Conditions:
Inborn genetic diseases. Identifiers: MedGen C0950123, MeSH D030342.
Chédiak-Higashi syndrome (CHS). Also called: Chediak-Higashi Syndrome. Identifiers: Orphanet 167, MedGen C0007965, MONDO:0008963, OMIM 214500.

Allele frequency attached by ClinVar (database versions not stated): TOPMed below 0.00001; gnomAD 0.00001; gnomAD exomes 0.00001.
gnomAD v4.1: 13 of 1,613,232 alleles (0.00081%); highest among the groups gnomAD compares: Non-Finnish European, 0.0011%; no homozygotes.

Submissions (2):

Ambry Genetics
Classification: Uncertain significance for Inborn genetic diseases. Last evaluated: 2025-08-01. Review status: criteria provided, single submitter. Criteria: Ambry Variant Classification Scheme 2023. Collection method: clinical testing. Allele origin: germline.

Labcorp Genetics (formerly Invitae), Labcorp
Classification: Uncertain significance for Chédiak-Higashi syndrome. Last evaluated: 2022-06-25. Review status: criteria provided, single submitter. Criteria: Invitae Variant Classification Sherloc (09022015). Collection method: clinical testing. Allele origin: germline.
Comment: This sequence change replaces serine, which is neutral and polar, with cysteine, which is neutral and slightly polar, at codon 1618 of the LYST protein (p.Ser1618Cys). This variant is present in population databases (no rsID available, gnomAD 0.007%). This variant has not been reported in the literature in individuals affected with LYST-related conditions. Algorithms developed to predict the effect of missense changes on protein structure and function (SIFT, PolyPhen-2, Align-GVGD) all suggest that this variant is likely to be tolerated. In summary, the available evidence is currently insufficient to determine the role of this variant in disease. Therefore, it has been classified as a Variant of Uncertain Significance.

NM_000081.4(LYST):c.4853C>G (p.Ser1618Cys)

Gene: LYST (lysosomal trafficking regulator; minus strand). Cytogenetic location: 1q42.3.
Variant type: single nucleotide variant.
Coding change: c.4853C>G on transcript NM_000081.4 (MANE Select); coding-DNA position 4853, C replaced by G.
Protein change: p.Ser1618Cys; replaces serine 1618 with cysteine.
Molecular consequence: missense variant.
Genome position (GRCh38, 1-based): chr1:235,787,209, G>C on the plus strand (C>G on the coding strand, the complement: LYST is on the minus strand). VCF-style: chr1-235787209-G-C. GRCh37 (hg19) VCF-style: chr1-235950509-G-C.
Other names: c.4853C>G (NM_000081.2); c.4853C>G, p.Ser1618Cys (NM_001301365.1); short protein forms S1618C.
Identifiers: ClinVar variation 2183545 (VCV002183545.2), dbSNP rs1257822116, ClinGen allele CA344957322.